The following is an entry in ClinVar:

NM_000548.5(TSC2):c.1670T>G (p.Leu557Trp)

Gene: TSC2 (TSC complex subunit 2; plus strand). Cytogenetic location: 16p13.3.
Variant type: single nucleotide variant.
Coding change: c.1670T>G on transcript NM_000548.5 (MANE Select); coding-DNA position 1670, T replaced by G.
Protein change: p.Leu557Trp; replaces leucine 557 with tryptophan.
Molecular consequence: missense variant.
Genome position (GRCh38, 1-based): chr16:2,065,589, T>G. VCF-style: chr16-2065589-T-G. GRCh37 (hg19) VCF-style: chr16-2115590-T-G.
Other names: c.1760T>G, p.Leu587Trp (NM_001406668.1, NM_001406667.1); c.1559T>G, p.Leu520Trp (NM_001406670.1, NM_001406678.1, NM_001318827.2); c.1658T>G, p.Leu553Trp (NM_001406671.1, NM_001406673.1); c.1523T>G, p.Leu508Trp (NM_001406675.1, NM_001406676.1, NM_001406679.1 and 1 more transcripts); c.1613T>G, p.Leu538Trp (NM_001406677.1); c.1070T>G, p.Leu357Trp (NM_001406680.1, NM_001318831.2, NM_001406682.1 and 6 more transcripts); c.1670T>G, p.Leu557Trp (NM_001077183.3, NM_001114382.3, NM_001363528.2 and 6 more transcripts); c.1703T>G, p.Leu568Trp (NM_001318832.2); and 3 more; short protein forms L538W, L553W, L357W, L403W, L587W, L109W, L520W, L568W.
Identifiers: ClinVar variation 2086696 (VCV002086696.5), dbSNP rs751618728, ClinGen allele CA394269900.

ClinVar aggregate classification (germline): Uncertain significance. Review status: criteria provided, multiple submitters, no conflicts (2 of 4 stars). 2 submissions from 2 submitters: Uncertain significance (2). Last evaluated 2024-03-15.

Conditions:
Hereditary cancer-predisposing syndrome. Also called: Hereditary Cancer Syndrome; Hereditary neoplastic syndrome; Neoplastic Syndromes, Hereditary; Tumor predisposition. Identifiers: Orphanet 140162, MedGen C0027672, MeSH D009386, MONDO:0015356.
Tuberous sclerosis 2 (TSC2). Identifiers: Orphanet 805, MedGen C1860707, MONDO:0013199, OMIM 613254.

gnomAD v4.1: 1 of 1,613,818 alleles (0.000062%); highest among the groups gnomAD compares: East Asian, 0.0022%; no homozygotes.

Submissions (2):

Ambry Genetics
Classification: Uncertain significance for Hereditary cancer-predisposing syndrome. Last evaluated: 2024-03-15. Review status: criteria provided, single submitter. Criteria: Ambry Variant Classification Scheme 2023. Collection method: clinical testing. Allele origin: germline.
Comment: The p.L557W variant (also known as c.1670T>G), located in coding exon 15 of the TSC2 gene, results from a T to G substitution at nucleotide position 1670. The leucine at codon 557 is replaced by tryptophan, an amino acid with similar properties. This amino acid position is conserved. In addition, this alteration is predicted to be deleterious by in silico analysis. Based on the available evidence, the clinical significance of this alteration remains unclear.

Labcorp Genetics (formerly Invitae), Labcorp
Classification: Uncertain significance for Tuberous sclerosis 2. Last evaluated: 2022-01-17. Review status: criteria provided, single submitter. Criteria: Invitae Variant Classification Sherloc (09022015). Collection method: clinical testing. Allele origin: germline.
Comment: In summary, the available evidence is currently insufficient to determine the role of this variant in disease. Therefore, it has been classified as a Variant of Uncertain Significance. Advanced modeling of protein sequence and biophysical properties (such as structural, functional, and spatial information, amino acid conservation, physicochemical variation, residue mobility, and thermodynamic stability) performed at Invitae indicates that this missense variant is not expected to disrupt TSC2 protein function. This variant has not been reported in the literature in individuals affected with TSC2-related conditions. This variant is not present in population databases (gnomAD no frequency). This sequence change replaces leucine, which is neutral and non-polar, with tryptophan, which is neutral and slightly polar, at codon 557 of the TSC2 protein (p.Leu557Trp).